The following is an entry in ClinVar:

ClinVar aggregate classification (germline): Pathogenic (1 of 4 stars; one submission).

Submission:

Illumina Laboratory Services, Illumina
Classification: Pathogenic. Last evaluated: 2019-04-25. Review status: criteria provided, single submitter. Criteria: ICSL CNVClassificationCriteria Jul2020Prior. Collection method: clinical testing. Allele origin: unknown.
Comment: This CNV is an inherited 42 kb duplication of Xp21.1 on chromosome X, (seq[GRCh37]dup(X)(p21.1); chrX:g.32578319_32620638dup). This CNV constitutes a gain encompassing exons 13-16 of the DMD gene. These exons code for spectrin domains. Exon duplications in DMD contribute to 13-14% of Duchenne muscular dystrophy cases (Taylor et al. 2007; Magri et al. 2011) and have also been shown to affect women with carrier status (Zhong et al. 2019). Based on the collective evidence, this CNV is classified as pathogenic.

Literature cited by the submitters: PubMed 17259292; PubMed 21399986; PubMed 30816495.

GRCh37/hg19 Xp21.1(chrX:32578319-32620638)x3

Gene: DMD (dystrophin; minus strand). Cytogenetic location: Xp21.1.
Variant type: copy number gain.
Change: copy number 3 of chrX:32,578,319-32,620,638 (42.3 kb, GRCh37 coordinates, 1-based), cytogenetic band Xp21.1.
Identifiers: ClinVar variation 1180514 (VCV001180514.4).